The following is an entry in ClinVar:

ClinVar aggregate classification (germline): Uncertain significance. Review status: criteria provided, multiple submitters, no conflicts (2 of 4 stars). 5 submissions from 5 submitters: Uncertain significance (4). 1 of the submissions does not count toward it. Last evaluated 2025-12-29.

Conditions:
Tumor predisposition syndrome 3 (TPDS3). Also called: Melanoma, cutaneous malignant, susceptibility to, 10; LONG TELOMERE SYNDROME, POT1-RELATED; POT1 Tumor Predisposition; Glioma susceptibility 9. Identifiers: Orphanet 618, MedGen C4014476, MONDO:0014368, OMIM 615848.
Hereditary cancer-predisposing syndrome. Also called: Tumor predisposition; Neoplastic Syndromes, Hereditary; Hereditary neoplastic syndrome; Hereditary Cancer Syndrome. Identifiers: Orphanet 140162, MedGen C0027672, MeSH D009386, MONDO:0015356.

Allele frequency attached by ClinVar (database versions not stated): ExAC 0.00001; gnomAD exomes 0.00001 and 0.00002; TOPMed 0.00002; gnomAD 0.00003.
gnomAD v4.1: 39 of 1,612,606 alleles (0.0024%); highest among the groups gnomAD compares: African/African-American, 0.004%; no homozygotes.

Submissions (5):

Center for Genomic Medicine, Rigshospitalet, Copenhagen University Hospital
Classification: Uncertain significance. Last evaluated: 2025-12-29. Review status: criteria provided, single submitter. Criteria: ACMG Guidelines, 2015. Collection method: clinical testing. Allele origin: germline.

Ambry Genetics
Classification: Uncertain significance for Hereditary cancer-predisposing syndrome. Last evaluated: 2025-12-19. Review status: criteria provided, single submitter. Criteria: Ambry Variant Classification Scheme 2023. Collection method: clinical testing. Allele origin: germline.
Comment: The p.Y419C variant (also known as c.1256A>G), located in coding exon 10 of the POT1 gene, results from an A to G substitution at nucleotide position 1256. The tyrosine at codon 419 is replaced by cysteine, an amino acid with highly dissimilar properties. This alteration was identified in 1 of 2928 melanoma cases and 0 of 3298 controls (Simonin-Wilmer I et al. J Med Genet, 2023 Jul;60:692-696). This amino acid position is highly conserved in available vertebrate species. In addition, the in silico prediction for this alteration is inconclusive. Since supporting evidence is limited at this time, the clinical significance of this alteration remains unclear.

Labcorp Genetics (formerly Invitae), Labcorp
Classification: Uncertain significance for Tumor predisposition syndrome 3. Last evaluated: 2025-11-10. Review status: criteria provided, single submitter. Criteria: Invitae Variant Classification Sherloc (09022015). Collection method: clinical testing. Allele origin: germline.
Comment: This sequence change replaces tyrosine, which is neutral and polar, with cysteine, which is neutral and slightly polar, at codon 419 of the POT1 protein (p.Tyr419Cys). This variant is present in population databases (rs770213689, gnomAD 0.004%). This variant has not been reported in the literature in individuals affected with POT1-related conditions. ClinVar contains an entry for this variant (Variation ID: 574175). Invitae Evidence Modeling of protein sequence and biophysical properties (such as structural, functional, and spatial information, amino acid conservation, physicochemical variation, residue mobility, and thermodynamic stability) indicates that this missense variant is not expected to disrupt POT1 protein function with a negative predictive value of 80%. In summary, the available evidence is currently insufficient to determine the role of this variant in disease. Therefore, it has been classified as a Variant of Uncertain Significance.

GeneDx
Classification: Uncertain significance. Last evaluated: 2023-09-05. Review status: criteria provided, single submitter. Criteria: GeneDx Variant Classification Process June 2021. Collection method: clinical testing. Allele origin: germline. Affected: yes.
Comment: Not observed at significant frequency in large population cohorts (gnomAD); In silico analysis supports that this missense variant has a deleterious effect on protein structure/function; Observed in an individual with melanoma (Simonin-Wilmer et al., 2022); This variant is associated with the following publications: (PMID: 29641532, 36539277)

Genetic Services Laboratory, University of Chicago
Classification: Uncertain significance. Last evaluated: 2022-06-23. Review status: no assertion criteria provided. Collection method: clinical testing. Allele origin: germline. Affected: no. Not counted in ClinVar's aggregate classification.
Comment: DNA sequence analysis of the POT1 gene demonstrated a sequence change, c.1256A>G, in exon 14 that results in an amino acid change, p.Tyr419Cys. This sequence change has been described in the gnomAD database with a frequency of 0.0023% in the non-Finnish European subpopulation (dbSNP rs770213689). The p.Tyr419Cys change affects a moderately conserved amino acid residue located in a domain of the POT1 protein that is not known to be functional. The p.Tyr419Cys substitution appears to be benign using several in-silico pathogenicity prediction tools (SIFT, PolyPhen2, Align GVGD, REVEL). This sequence change does not appear to have been previously described in individuals with POT1-related disorders. Due to insufficient evidences and the lack of functional studies, the clinical significance of the p.Tyr419Cys change remains unknown at this time.

Literature cited by the submitters: PubMed 36539277 (cited by Ambry Genetics).

NM_015450.3(POT1):c.1256A>G (p.Tyr419Cys)

Gene: POT1 (protection of telomeres 1; minus strand). Cytogenetic location: 7q31.33.
Variant type: single nucleotide variant.
Coding change: c.1256A>G on transcript NM_015450.3 (MANE Select); coding-DNA position 1256, A replaced by G.
Protein change: p.Tyr419Cys; replaces tyrosine 419 with cysteine.
Molecular consequence: missense variant. On other transcripts: non-coding transcript variant (3).
Genome position (GRCh38, 1-based): chr7:124,841,086, T>C on the plus strand (A>G on the coding strand, the complement: POT1 is on the minus strand). VCF-style: chr7-124841086-T-C. GRCh37 (hg19) VCF-style: chr7-124481140-T-C.
Other names: c.863A>G, p.Tyr288Cys (NM_001042594.2); short protein forms Y419C, Y288C.
Identifiers: ClinVar variation 574175 (VCV000574175.26), dbSNP rs770213689, ClinGen allele CA4465178.